The following is an entry in ClinVar:

ClinVar aggregate classification (germline): Uncertain significance (1 of 4 stars; one submission).

Conditions:
Idiopathic generalized epilepsy. Also called: EIG; Generalised epilepsy. Identifiers: MedGen C0270850, MONDO:0005579, OMIM 600669.
Hyperaldosteronism, familial, type IV (HALD4). Also called: FH IV; ALDOSTERONISM, PRIMARY, AND HYPERTENSION. Identifiers: Orphanet 642671, MedGen C4310756, MONDO:0014875, OMIM 617027.

Submission:

Labcorp Genetics (formerly Invitae), Labcorp
Classification: Uncertain significance for Idiopathic generalized epilepsy; Hyperaldosteronism, familial, type IV. Last evaluated: 2024-09-14. Review status: criteria provided, single submitter. Criteria: Invitae Variant Classification Sherloc (09022015). Collection method: clinical testing. Allele origin: germline.
Comment: This sequence change creates a premature translational stop signal (p.Trp1265*) in the CACNA1H gene. It is expected to result in an absent or disrupted protein product. However, the current clinical and genetic evidence is not sufficient to establish whether loss-of-function variants in CACNA1H cause disease. This variant is not present in population databases (gnomAD no frequency). This variant has not been reported in the literature in individuals affected with CACNA1H-related conditions. In summary, the available evidence is currently insufficient to determine the role of this variant in disease. Therefore, it has been classified as a Variant of Uncertain Significance.

NM_021098.3(CACNA1H):c.3795G>A (p.Trp1265Ter)

Gene: CACNA1H (calcium voltage-gated channel subunit alpha1 H; plus strand). Cytogenetic location: 16p13.3.
Variant type: single nucleotide variant.
Coding change: c.3795G>A on transcript NM_021098.3 (MANE Select); coding-DNA position 3795, G replaced by A.
Protein change: p.Trp1265Ter; replaces tryptophan 1265 with a stop codon.
Molecular consequence: nonsense.
Genome position (GRCh38, 1-based): chr16:1,210,085, G>A. VCF-style: chr16-1210085-G-A. GRCh37 (hg19) VCF-style: chr16-1260085-G-A.
Other names: c.3795G>A, p.Trp1265Ter (NM_001005407.2); short protein forms W1265*.
Identifiers: ClinVar variation 3762136 (VCV003762136.2).